The following is an entry in ClinVar:

ClinVar aggregate classification (germline): Uncertain significance (1 of 4 stars; one submission).

Conditions:
COL11A1-related disorder. Also called: COL11A1-related condition; COL11A1-related disorders.

Submission:

3billion
Classification: Uncertain significance for COL11A1-related disorder. Last evaluated: 2024-09-04. Review status: criteria provided, single submitter. Criteria: ACMG Guidelines, 2015. Collection method: clinical testing. Allele origin: germline. Affected: yes.
Comment: The variant is not observed in the gnomAD v4.0.0 dataset. Predicted Consequence/Location: Intron variant In silico tools predict the variant to alter splicing and produce an abnormal transcript [SpliceAI: 0.63 (>=0.2, moderate evidence for spliceogenicity)]. Therefore, this variant is classified as VUS according to the recommendation of ACMG/AMP guideline.

NM_001854.4(COL11A1):c.1309-3T>A

Gene: COL11A1 (collagen type XI alpha 1 chain; minus strand). Cytogenetic location: 1p21.1.
Variant type: single nucleotide variant.
Coding change: c.1309-3T>A on transcript NM_001854.4 (MANE Select); 3 bases into the intron before coding-DNA position 1309, T replaced by A.
Molecular consequence: intron variant.
Genome position (GRCh38, 1-based): chr1:103,018,862, A>T on the plus strand (T>A on the coding strand, the complement: COL11A1 is on the minus strand). VCF-style: chr1-103018862-A-T. GRCh37 (hg19) VCF-style: chr1-103484418-A-T.
Other names: c.1192-3T>A (NM_001190709.2); c.1345-3T>A (NM_080629.3); c.961-3T>A (NM_080630.4).
Identifiers: ClinVar variation 4293258 (VCV004293258.1).